The following is an entry in ClinVar:

ClinVar aggregate classification (germline): Likely pathogenic (1 of 4 stars; one submission).

Conditions:
Hereditary acrodermatitis enteropathica (AEZ). Also called: Acrodermatitis enteropathica. Identifiers: Orphanet 37, MedGen C0221036, MONDO:0008713, OMIM 201100.

Submission:

Natera, Inc.
Classification: Likely pathogenic for Acrodermatitis enteropathica. Last evaluated: 2025-08-06. Review status: criteria provided, single submitter. Criteria: Natera Variant Classification Schema (03/2026). Collection method: clinical testing. Allele origin: germline.
Comment: The c.333_366delinsACCTCA variant in SLC39A4 is a frameshift variant predicted to shift the reading frame and introduce a stop codon. This variant is expected to result in nonsense mediated decay, truncation, or a dysfunctional protein product. This variant is rare in the general population with a frequency below the threshold expected for the associated phenotype(s). Given the available evidence, this variant is classified as Likely Pathogenic.

NM_130849.4(SLC39A4):c.333_366delinsACCTCA (p.Cys111_His122delinsTer)

Gene: SLC39A4 (solute carrier family 39 member 4; minus strand). Cytogenetic location: 8q24.3.
Variant type: Indel.
Coding change: c.333_366delinsACCTCA on transcript NM_130849.4 (MANE Select); coding-DNA positions 333 to 366, the reference bases replaced by ACCTCA.
Protein change: p.Cys111_His122delinsTer.
Molecular consequence: nonsense. On other transcripts: intron variant (1).
Genome position (GRCh38, 1-based): chr8:144,415,918-144,415,951, 34 bases replaced. GRCh37 (hg19): chr8:145,641,302-145,641,335.
Other names: c.258_291delinsACCTCA, p.Cys86_His97delinsTer (NM_017767.3); c.193-532_193-499delinsACCTCA (NM_001374839.1).
Identifiers: ClinVar variation 4816465 (VCV004816465.1).